The following is an entry in ClinVar:

NM_005430.4(WNT1):c.500G>T (p.Trp167Leu)

Gene: WNT1 (Wnt family member 1; plus strand). Cytogenetic location: 12q13.12.
Variant type: single nucleotide variant.
Coding change: c.500G>T on transcript NM_005430.4 (MANE Select); coding-DNA position 500, G replaced by T.
Protein change: p.Trp167Leu; replaces tryptophan 167 with leucine.
Molecular consequence: missense variant.
Genome position (GRCh38, 1-based): chr12:48,980,565, G>T. VCF-style: chr12-48980565-G-T. GRCh37 (hg19) VCF-style: chr12-49374348-G-T.
Other names: short protein forms W167L.
Identifiers: ClinVar variation 3657429 (VCV003657429.2).

ClinVar aggregate classification (germline): Uncertain significance (1 of 4 stars; one submission).

Submission:

Labcorp Genetics (formerly Invitae), Labcorp
Classification: Uncertain significance. Last evaluated: 2024-06-22. Review status: criteria provided, single submitter. Criteria: Invitae Variant Classification Sherloc (09022015). Collection method: clinical testing. Allele origin: germline.
Comment: This sequence change replaces tryptophan, which is neutral and slightly polar, with leucine, which is neutral and non-polar, at codon 167 of the WNT1 protein (p.Trp167Leu). This variant is not present in population databases (gnomAD no frequency). This variant has not been reported in the literature in individuals affected with WNT1-related conditions. Advanced modeling of protein sequence and biophysical properties (such as structural, functional, and spatial information, amino acid conservation, physicochemical variation, residue mobility, and thermodynamic stability) performed at Invitae indicates that this missense variant is expected to disrupt WNT1 protein function with a positive predictive value of 80%. This variant disrupts the p.Trp167 amino acid residue in WNT1. Other variant(s) that disrupt this residue have been determined to be pathogenic (PMID: 30715774, 32770541). This suggests that this residue is clinically significant, and that variants that disrupt this residue are likely to be disease-causing. In summary, the available evidence is currently insufficient to determine the role of this variant in disease. Therefore, it has been classified as a Variant of Uncertain Significance.

Literature cited by the submitters: PubMed 30715774; PubMed 32770541.